The following is an entry in ClinVar:

NM_016580.4(PCDH12):c.1493G>A (p.Arg498His)

Genes: PCDH12 (protocadherin 12; minus strand), RNF14 (ring finger protein 14; plus strand). Cytogenetic location: 5q31.3.
Variant type: single nucleotide variant.
Coding change: c.1493G>A on transcript NM_016580.4 (MANE Select); coding-DNA position 1493, G replaced by A.
Protein change: p.Arg498His; replaces arginine 498 with histidine.
Molecular consequence: missense variant.
Genome position (GRCh38, 1-based): chr5:141,956,359, C>T on the plus strand (G>A on the coding strand, the complement: PCDH12 is on the minus strand). VCF-style: chr5-141956359-C-T. GRCh37 (hg19) VCF-style: chr5-141335924-C-T.
Other names: c.1493G>A (NM_016580.2); short protein forms R498H.
Identifiers: ClinVar variation 1805639 (VCV001805639.4), dbSNP rs374457419, ClinGen allele CA3484393.

ClinVar aggregate classification (germline): Uncertain significance. Review status: criteria provided, multiple submitters, no conflicts (2 of 4 stars). 3 submissions from 3 submitters: Uncertain significance (3). Last evaluated 2025-03-26.

Conditions:
Neurodevelopmental disorder. Identifiers: MedGen C1535926, MeSH D065886, MONDO:0700092.
Inborn genetic diseases. Identifiers: MedGen C0950123, MeSH D030342.

Allele frequency attached by ClinVar (database versions not stated): TOPMed 0.00002; gnomAD 0.00002; ExAC 0.00002; ESP Exome Variant Server 0.00008.
gnomAD v4.1: 111 of 1,614,046 alleles (0.0069%); highest among the groups gnomAD compares: Non-Finnish European, 0.0089%; no homozygotes.

Submissions (3):

Ambry Genetics
Classification: Uncertain significance for Inborn genetic diseases. Last evaluated: 2025-03-26. Review status: criteria provided, single submitter. Criteria: Ambry Variant Classification Scheme 2023. Collection method: clinical testing. Allele origin: germline.

Labcorp Genetics (formerly Invitae), Labcorp
Classification: Uncertain significance. Last evaluated: 2022-07-09. Review status: criteria provided, single submitter. Criteria: Invitae Variant Classification Sherloc (09022015). Collection method: clinical testing. Allele origin: germline.
Comment: This sequence change replaces arginine, which is basic and polar, with histidine, which is basic and polar, at codon 498 of the PCDH12 protein (p.Arg498His). This variant is present in population databases (rs374457419, gnomAD 0.007%). This variant has not been reported in the literature in individuals affected with PCDH12-related conditions. Advanced modeling of protein sequence and biophysical properties (such as structural, functional, and spatial information, amino acid conservation, physicochemical variation, residue mobility, and thermodynamic stability) performed at Invitae indicates that this missense variant is not expected to disrupt PCDH12 protein function. In summary, the available evidence is currently insufficient to determine the role of this variant in disease. Therefore, it has been classified as a Variant of Uncertain Significance.

Victorian Clinical Genetics Services, Murdoch Childrens Research Institute
Classification: Uncertain significance for Neurodevelopmental disorder. Last evaluated: 2020-05-25. Review status: criteria provided, single submitter. Criteria: ACMG Guidelines, 2015. Collection method: clinical testing. Allele origin: germline. Inheritance: Autosomal recessive inheritance. Affected: yes.
Comment: A heterozygous missense variant was identified, NM_016580.3(PCDH12):c.1493G>A in exon 1 of 4 of the PCDH12 gene. This substitution is predicted to create a minor amino acid change from arginine to histidine at position 498 of the protein, NP_057664.1(PCDH12):p.(Arg498His). The arginine at this position has low conservation (100 vertebrates, UCSC), but is located within a cadherin repeat. In silico software predicts this variant to be benign (Polyphen, SIFT, CADD, Mutation Taster). The variant is present in the gnomAD population database at a frequency of 0.0036% (9 heterozygotes, 0 homozygotes). The variant has not been previously reported in a clinical testing setting. Based on information available at the time of curation, this variant has been classified as a VARIANT of UNCERTAIN SIGNIFICANCE (VUS) with LOW CLINICAL RELEVANCE. Legend: (P) - Pathogenic, (N) - Neutral, (B) - Benign